The following is an entry in ClinVar:

ClinVar aggregate classification (germline): Uncertain significance. Review status: criteria provided, multiple submitters, no conflicts (2 of 4 stars). 2 submissions from 2 submitters: Uncertain significance (2). Last evaluated 2026-05-14.

Conditions:
Cardiovascular phenotype. Identifiers: MedGen CN230736.
Dilated cardiomyopathy 1W (CMD1W). Identifiers: Orphanet 154, MedGen C1969639, MONDO:0012667, OMIM 611407.

Submissions (2):

Ambry Genetics
Classification: Uncertain significance for Cardiovascular phenotype. Last evaluated: 2026-05-14. Review status: criteria provided, single submitter. Criteria: Ambry Variant Classification Scheme 2023. Collection method: clinical testing. Allele origin: germline.
Comment: The p.T1123I variant (also known as c.3368C>T), located in coding exon 22 of the VCL gene, results from a C to T substitution at nucleotide position 3368. The threonine at codon 1123 is replaced by isoleucine, an amino acid with similar properties. This amino acid position is conserved. In addition, the in silico prediction for this alteration is inconclusive. Based on the available evidence, the clinical significance of this variant remains unclear.

Labcorp Genetics (formerly Invitae), Labcorp
Classification: Uncertain significance for Dilated cardiomyopathy 1W. Last evaluated: 2021-11-26. Review status: criteria provided, single submitter. Criteria: Invitae Variant Classification Sherloc (09022015). Collection method: clinical testing. Allele origin: germline.
Comment: Algorithms developed to predict the effect of missense changes on protein structure and function are either unavailable or do not agree on the potential impact of this missense change (SIFT: "Not Available"; PolyPhen-2: "Probably Damaging"; Align-GVGD: "Not Available"). This variant has not been reported in the literature in individuals affected with VCL-related conditions. This variant is not present in population databases (gnomAD no frequency). This sequence change replaces threonine, which is neutral and polar, with isoleucine, which is neutral and non-polar, at codon 1123 of the VCL protein (p.Thr1123Ile). In summary, the available evidence is currently insufficient to determine the role of this variant in disease. Therefore, it has been classified as a Variant of Uncertain Significance.

NM_014000.3(VCL):c.3368C>T (p.Thr1123Ile)

Gene: VCL (vinculin; plus strand). Cytogenetic location: 10q22.2.
Variant type: single nucleotide variant.
Coding change: c.3368C>T on transcript NM_014000.3 (MANE Select); coding-DNA position 3368, C replaced by T.
Protein change: p.Thr1123Ile; replaces threonine 1123 with isoleucine.
Molecular consequence: missense variant.
Genome position (GRCh38, 1-based): chr10:74,118,132, C>T. VCF-style: chr10-74118132-C-T. GRCh37 (hg19) VCF-style: chr10-75877890-C-T.
Other names: c.3164C>T, p.Thr1055Ile (NM_003373.4); c.3368C>T (NM_014000.2); short protein forms T1055I, T1123I.
Identifiers: ClinVar variation 1395162 (VCV001395162.7), dbSNP rs2131944412, ClinGen allele CA377268816.
Genomic context (GRCh38, chr10:74,118,132, plus strand): 5'-AGGAGACTGTGCGGGAAGCTGAAGCTGCTTCAATCAAAATTCGAACAGATGCTGGATTTA[C>T]ACTGCGCTGGGTTAGAAAGACTCCCTGGTACCAGTAGGCACCTGGCTGAGCCTGGCTGGC-3'
Protein context (NP_054706.1, residues 1113-1133): SIKIRTDAGF[Thr1123Ile]LRWVRKTPWY